The following is an entry in ClinVar:

NM_001374736.1(DST):c.3583A>G (p.Asn1195Asp)

Gene: DST (dystonin; minus strand). Cytogenetic location: 6p12.1.
Variant type: single nucleotide variant.
Coding change: c.3583A>G on transcript NM_001374736.1 (MANE Select); coding-DNA position 3583, A replaced by G.
Protein change: p.Asn1195Asp; replaces asparagine 1195 with aspartic acid.
Molecular consequence: missense variant.
Genome position (GRCh38, 1-based): chr6:56,634,170, T>C on the plus strand (A>G on the coding strand, the complement: DST is on the minus strand). VCF-style: chr6-56634170-T-C. GRCh37 (hg19) VCF-style: chr6-56498968-T-C.
Other names: c.1972A>G, p.Asn658Asp (NM_001723.7, NM_015548.5); c.2950A>G, p.Asn984Asp (NM_183380.4, NM_001386100.1, NM_001374729.1 and 1 more transcripts); c.3484A>G, p.Asn1162Asp (NM_001144769.5); c.3070A>G, p.Asn1024Asp (NM_001144770.2); c.3583A>G, p.Asn1195Asp (NM_001374722.1); c.3610A>G, p.Asn1204Asp (NM_001374734.1); short protein forms N1204D, N658D, N1195D, N984D, N1024D, N1162D.
Identifiers: ClinVar variation 1497883 (VCV001497883.5), dbSNP rs2152764839, ClinGen allele CA364575607.
Genomic context (GRCh38, chr6:56,634,170, plus strand): 5'-TGACATACAGATTCATACTTACTGAAGCCACATTGCTAGCTCGAATTCTATCAATTTCAT[T>C]GATGAGATAATGCCAGGATACTACACTCTTCATGTTTATGTGAGACTCATGCCAAAGAGT-3'
Protein context (NP_001361665.1, residues 1185-1205): KSVVSWHYLI[Asn1195Asp]EIDRIRASNV

ClinVar aggregate classification (germline): Uncertain significance (1 of 4 stars; one submission).

Conditions:
Epidermolysis bullosa simplex 3, localized or generalized intermediate, with BP230 deficiency (EBS3). Also called: Epidermolysis bullosa simplex due to BP230 deficiency; Epidermolysis bullosa simplex, autosomal recessive 2. Identifiers: Orphanet 412181, MedGen C3809470, MONDO:0014180, OMIM 615425.
Hereditary sensory and autonomic neuropathy type 6. Also called: Neuropathy, hereditary sensory and autonomic, type VI; HSAN VI. Identifiers: Orphanet 314381, MedGen C3539003, MONDO:0013839, OMIM 614653.

gnomAD v4.1: 5 of 1,613,550 alleles (0.00031%); highest among the groups gnomAD compares: Non-Finnish European, 0.00034%; no homozygotes.

Submission:

Labcorp Genetics (formerly Invitae), Labcorp
Classification: Uncertain significance for Epidermolysis bullosa simplex 3, localized or generalized intermediate, with BP230 deficiency; Hereditary sensory and autonomic neuropathy type 6. Last evaluated: 2021-08-27. Review status: criteria provided, single submitter. Criteria: Invitae Variant Classification Sherloc (09022015). Collection method: clinical testing. Allele origin: germline.
Comment: This sequence change replaces asparagine with aspartic acid at codon 658 of the DST protein (p.Asn658Asp). The asparagine residue is highly conserved and there is a small physicochemical difference between asparagine and aspartic acid. This variant is not present in population databases (ExAC no frequency). This variant has not been reported in the literature in individuals affected with DST-related conditions. Algorithms developed to predict the effect of missense changes on protein structure and function are either unavailable or do not agree on the potential impact of this missense change (SIFT: "Deleterious"; PolyPhen-2: "Benign"; Align-GVGD: "Class C15"). In summary, the available evidence is currently insufficient to determine the role of this variant in disease. Therefore, it has been classified as a Variant of Uncertain Significance.